The following is an entry in ClinVar:

ClinVar aggregate classification (germline): Uncertain significance. Review status: criteria provided, multiple submitters, no conflicts (2 of 4 stars). 2 submissions from 2 submitters: Uncertain significance (2). Last evaluated 2023-12-13.

Conditions:
Inborn genetic diseases. Identifiers: MedGen C0950123, MeSH D030342.
H syndrome. Also called: HISTIOCYTOSIS AND LYMPHADENOPATHY WITH OR WITHOUT CUTANEOUS, CARDIAC, AND/OR ENDOCRINE FEATURES, JOINT CONTRACTURES, AND/OR DEAFNESS; HYPERPIGMENTATION, CUTANEOUS, WITH HYPERTRICHOSIS, HEPATOSPLENOMEGALY, HEART ANOMALIES, AND HYPOGONADISM WITH OR WITHOUT HEARING LOSS; PIGMENTED HYPERTRICHOSIS WITH INSULIN-DEPENDENT DIABETES MELLITUS; ROSAI-DORFMAN DISEASE, FAMILIAL; SINUS HISTIOCYTOSIS AND MASSIVE LYMPHADENOPATHY; FAISALABAD HISTIOCYTOSIS. Identifiers: Orphanet 168569, MedGen C1864445, MONDO:0011273, OMIM 602782.

Allele frequency attached by ClinVar (database versions not stated): gnomAD exomes 0.00002; ExAC 0.00005; gnomAD 0.00008; TOPMed 0.00010; ESP Exome Variant Server 0.00023.
gnomAD v4.1: 49 of 1,614,000 alleles (0.003%); highest among the groups gnomAD compares: African/African-American, 0.028%; no homozygotes.

Submissions (2):

Ambry Genetics
Classification: Uncertain significance for Inborn genetic diseases. Last evaluated: 2023-12-13. Review status: criteria provided, single submitter. Criteria: Ambry Variant Classification Scheme 2023. Collection method: clinical testing. Allele origin: germline.

Labcorp Genetics (formerly Invitae), Labcorp
Classification: Uncertain significance for H syndrome. Last evaluated: 2022-08-09. Review status: criteria provided, single submitter. Criteria: Invitae Variant Classification Sherloc (09022015). Collection method: clinical testing. Allele origin: germline.
Comment: This sequence change replaces valine, which is neutral and non-polar, with methionine, which is neutral and non-polar, at codon 242 of the SLC29A3 protein (p.Val242Met). This variant is present in population databases (rs149431507, gnomAD 0.02%). This variant has not been reported in the literature in individuals affected with SLC29A3-related conditions. Algorithms developed to predict the effect of missense changes on protein structure and function are either unavailable or do not agree on the potential impact of this missense change (SIFT: "Tolerated"; PolyPhen-2: "Possibly Damaging"; Align-GVGD: "Class C0"). In summary, the available evidence is currently insufficient to determine the role of this variant in disease. Therefore, it has been classified as a Variant of Uncertain Significance.

NM_018344.6(SLC29A3):c.724G>A (p.Val242Met)

Gene: SLC29A3 (solute carrier family 29 member 3; plus strand). Cytogenetic location: 10q22.1.
Variant type: single nucleotide variant.
Coding change: c.724G>A on transcript NM_018344.6 (MANE Select); coding-DNA position 724, G replaced by A.
Protein change: p.Val242Met; replaces valine 242 with methionine.
Molecular consequence: missense variant. On other transcripts: non-coding transcript variant (2).
Genome position (GRCh38, 1-based): chr10:71,356,194, G>A. VCF-style: chr10-71356194-G-A. GRCh37 (hg19) VCF-style: chr10-73115951-G-A.
Other names: c.724G>A, p.Val242Met (NM_001174098.2); c.490G>A, p.Val164Met (NM_001363518.2); c.724G>A (NM_018344.5); short protein forms V164M, V242M.
Identifiers: ClinVar variation 2050024 (VCV002050024.2), dbSNP rs149431507, ClinGen allele CA5543033.